The following is an entry in ClinVar:

NM_001384732.1(CPLANE1):c.651G>A (p.Trp217Ter)

Gene: CPLANE1 (ciliogenesis and planar polarity effector complex subunit 1; minus strand). Cytogenetic location: 5p13.2.
Variant type: single nucleotide variant.
Coding change: c.651G>A on transcript NM_001384732.1 (MANE Select); coding-DNA position 651, G replaced by A.
Protein change: p.Trp217Ter; replaces tryptophan 217 with a stop codon.
Molecular consequence: nonsense.
Genome position (GRCh38, 1-based): chr5:37,243,039, C>T on the plus strand (G>A on the coding strand, the complement: CPLANE1 is on the minus strand). VCF-style: chr5-37243039-C-T. GRCh37 (hg19) VCF-style: chr5-37243141-C-T.
Other names: c.651G>A, p.Trp217Ter (NM_023073.4); short protein forms W217*.
Identifiers: ClinVar variation 2701194 (VCV002701194.3), dbSNP rs752753204, ClinGen allele CA117068075.

ClinVar aggregate classification (germline): Pathogenic (1 of 4 stars; one submission).

Submission:

Labcorp Genetics (formerly Invitae), Labcorp
Classification: Pathogenic. Last evaluated: 2023-12-06. Review status: criteria provided, single submitter. Criteria: Invitae Variant Classification Sherloc (09022015). Collection method: clinical testing. Allele origin: germline.
Comment: This sequence change creates a premature translational stop signal (p.Trp217*) in the CPLANE1 gene. It is expected to result in an absent or disrupted protein product. Loss-of-function variants in CPLANE1 are known to be pathogenic (PMID: 24178751, 26092869). This variant is not present in population databases (gnomAD no frequency). This variant has not been reported in the literature in individuals affected with CPLANE1-related conditions. For these reasons, this variant has been classified as Pathogenic.

Literature cited by the submitters: PubMed 24178751; PubMed 26092869.